The following is an entry in ClinVar:

NM_003238.6(TGFB2):c.1127C>A (p.Ala376Asp)

Gene: TGFB2 (transforming growth factor beta 2; plus strand). Cytogenetic location: 1q41.
Variant type: single nucleotide variant.
Coding change: c.1127C>A on transcript NM_003238.6 (MANE Select); coding-DNA position 1127, C replaced by A.
Protein change: p.Ala376Asp; replaces alanine 376 with aspartic acid.
Molecular consequence: missense variant. On other transcripts: non-coding transcript variant (2).
Genome position (GRCh38, 1-based): chr1:218,441,244, C>A. VCF-style: chr1-218441244-C-A. GRCh37 (hg19) VCF-style: chr1-218614586-C-A.
Other names: c.1211C>A, p.Ala404Asp (NM_001135599.4); short protein forms A376D, A404D.
Identifiers: ClinVar variation 3806398 (VCV003806398.1).

ClinVar aggregate classification (germline): Uncertain significance (1 of 4 stars; one submission).

Conditions:
Familial thoracic aortic aneurysm and aortic dissection (TAAD). Also called: Thoracic aortic aneurysms and dissections. Identifiers: Orphanet 91387, MedGen C4707243, MONDO:0019625.

Submission:

Ambry Genetics
Classification: Uncertain significance for Familial thoracic aortic aneurysm and aortic dissection. Last evaluated: 2024-12-28. Review status: criteria provided, single submitter. Criteria: Ambry Variant Classification Scheme 2023. Collection method: clinical testing. Allele origin: germline.
Comment: The p.A376D variant (also known as c.1127C>A), located in coding exon 7 of the TGFB2 gene, results from a C to A substitution at nucleotide position 1127. The alanine at codon 376 is replaced by aspartic acid, an amino acid with dissimilar properties. This amino acid position is conserved. In addition, this alteration is predicted to be deleterious by in silico analysis. Based on the available evidence, the clinical significance of this variant remains unclear.